The following is an entry in ClinVar:

NM_001165963.4(SCN1A):c.3637C>T (p.Arg1213Ter)

Genes: SCN1A (sodium voltage-gated channel alpha subunit 1; minus strand), LOC102724058 (uncharacterized LOC102724058; plus strand). Cytogenetic location: 2q24.3.
Variant type: single nucleotide variant.
Coding change: c.3637C>T on transcript NM_001165963.4 (MANE Select); coding-DNA position 3637, C replaced by T.
Protein change: p.Arg1213Ter; replaces arginine 1213 with a stop codon.
Molecular consequence: nonsense. On other transcripts: non-coding transcript variant (1).
Genome position (GRCh38, 1-based): chr2:166,013,812, G>A on the plus strand (C>T on the coding strand, the complement: SCN1A is on the minus strand). VCF-style: chr2-166013812-G-A. GRCh37 (hg19) VCF-style: chr2-166870322-G-A.
Other names: p.R1213*:CGA>TGA; c.3553C>T, p.Arg1185Ter (NM_001165964.3, NM_001353957.2, NM_001353958.2); c.3637C>T, p.Arg1213Ter (NM_001202435.3, NM_001353948.2); c.3604C>T, p.Arg1202Ter (NM_001353949.2, NM_001353950.2, NM_001353951.2 and 2 more transcripts); c.3601C>T, p.Arg1201Ter (NM_001353954.2, NM_001353955.2); c.3550C>T, p.Arg1184Ter (NM_001353960.2); c.1195C>T, p.Arg399Ter (NM_001353961.2); short protein forms R1202*, R1213*, R1201*, R399*, R1184*, R1185*.
Identifiers: ClinVar variation 189861 (VCV000189861.58), dbSNP rs794726710, ClinGen allele CA303131.

ClinVar aggregate classification (germline): Pathogenic. Review status: criteria provided, multiple submitters, no conflicts (2 of 4 stars). 12 submissions from 12 submitters: Pathogenic (11). 1 of the submissions does not count toward it. Last evaluated 2025-06-03.

Conditions:
Early-infantile DEE. Also called: Ohtahara syndrome; Early infantile epileptic encephalopathy with suppression bursts; Early infantile epileptic encephalopathy. Identifiers: Orphanet 1934, MedGen C0393706, MONDO:0800491.
SCN1A-related disorder. Also called: SCN1A-related disorders; SCN1A-related conditions; SCN1A-related condition.
Inborn genetic diseases. Identifiers: MedGen C0950123, MeSH D030342.
Migraine, familial hemiplegic, 3. Identifiers: Orphanet 569, MedGen C1864987, MONDO:0012320, OMIM 609634.
Severe myoclonic epilepsy in infancy (DRVT). Also called: SEVERE MYOCLONIC EPILEPSY OF INFANCY; DEVELOPMENTAL AND EPILEPTIC ENCEPHALOPATHY 6A; Severe Myoclonic Epilepsy in Infancy (SMEI); Dravet syndrome; Epileptic encephalopathy, early infantile, 6 (Dravet syndrome). Identifiers: Orphanet 33069, MedGen C0751122, MONDO:0100135, OMIM 607208.
Seizure. Also called: Seizures. Identifiers: MedGen C0036572, HP:0001250.

Submissions (12):

Labcorp Genetics (formerly Invitae), Labcorp
Classification: Pathogenic for Early-infantile DEE. Last evaluated: 2025-06-03. Review status: criteria provided, single submitter. Criteria: Invitae Variant Classification Sherloc (09022015). Collection method: clinical testing. Allele origin: germline.
Comment: This sequence change creates a premature translational stop signal (p.Arg1213*) in the SCN1A gene. It is expected to result in an absent or disrupted protein product. Loss-of-function variants in SCN1A are known to be pathogenic (PMID: 17347258, 18930999). This variant is not present in population databases (gnomAD no frequency). This premature translational stop signal has been observed in individual(s) with intractable epilepsy and Dravet syndrome (PMID: 12566275, 18930999, 23195492, 23934111). ClinVar contains an entry for this variant (Variation ID: 189861). Algorithms developed to predict the effect of sequence changes on RNA splicing suggest that this variant may disrupt the consensus splice site. For these reasons, this variant has been classified as Pathogenic.

3billion
Classification: Pathogenic for Severe myoclonic epilepsy in infancy. Last evaluated: 2023-11-10. Review status: criteria provided, single submitter. Criteria: ACMG Guidelines, 2015. Collection method: clinical testing. Allele origin: germline. Affected: yes.
Comment: The variant is not observed in the gnomAD v2.1.1 dataset. Predicted Consequence/Location: Stop-gained (nonsense): predicted to result in a loss or disruption of normal protein function through nonsense-mediated decay (NMD) or protein truncation. Multiple pathogenic variants are reported downstream of the variant. The variant has been reported at least twice as pathogenic with clinical assertions and evidence for the classification (ClinVar ID: VCV000189861 /PMID: 12566275). Therefore, this variant is classified as Pathogenic according to the recommendation of ACMG/AMP guideline.

GeneDx
Classification: Pathogenic. Last evaluated: 2023-04-21. Review status: criteria provided, single submitter. Criteria: GeneDx Variant Classification Process June 2021. Collection method: clinical testing. Allele origin: germline. Affected: yes.
Comment: Nonsense variant predicted to result in protein truncation or nonsense mediated decay in a gene for which loss of function is a known mechanism of disease; Not observed at significant frequency in large population cohorts (gnomAD); This variant is associated with the following publications: (PMID: 25525159, 30368457, 32090326, 28005047, 29573403, 35571021, 31440721, 29186148, 26096185, 26232052, 35074891, 18930999, 15346159, 23934111, 12566275, 23195492)

Blueprint Genetics
Classification: Pathogenic for SCN1A-related disorders. Last evaluated: 2021-03-26. Review status: criteria provided, single submitter. Criteria: ACMG Guidelines, 2015. Collection method: clinical testing. Allele origin: germline. Affected: yes. Observed: 2 variant alleles.

CeGaT Center for Human Genetics Tuebingen
Classification: Pathogenic. Last evaluated: 2019-07-01. Review status: criteria provided, single submitter. Criteria: CeGaT Center For Human Genetics Tuebingen Variant Classification Criteria Version 2. Collection method: clinical testing. Allele origin: germline. Affected: yes. Observed: 2 variant alleles.

Ambry Genetics
Classification: Pathogenic for Inborn genetic diseases. Last evaluated: 2018-09-21. Review status: criteria provided, single submitter. Criteria: Ambry Variant Classification Scheme 2023. Collection method: clinical testing. Allele origin: germline.
Comment: The p.R1213* pathogenic mutation (also known as c.3637C>T), located in coding exon 18 of the SCN1A gene, results from a C to T substitution at nucleotide position 3637. This changes the amino acid from an arginine to a stop codon within coding exon 18. This mutation has been detected in multiple patients with early onset epilepsy phenotypes including Dravet syndrome and intractable epilepsy in infancy, with some cases reported as occurring de novo (Fujiwara T et al. Brain. 2003;126:531-46; Depienne C et al. J. Med. Genet., 2009;46:183-91; Wang JW et al. Epilepsy Res. 2012;102:195-200; Allen et al. Nature. 2013;501:217-21; van Egmond ME et al. Eur. J. Paediatr. Neurol., 2015;19:726-9; Zhu X et al. PLoS Genet. 2017;13:e1007104). This alteration is expected to result in loss of function by premature protein truncation or nonsense-mediated mRNA decay. As such, this alteration is interpreted as a disease-causing mutation.

Center of Genomic medicine, Geneva, University Hospital of Geneva
Classification: Pathogenic for Seizure. Last evaluated: 2017-09-14. Review status: criteria provided, single submitter. Criteria: ACMG Guidelines, 2015. Collection method: clinical testing. Allele origin: de novo. Affected: yes.

Institute of Human Genetics, University of Leipzig Medical Center
Classification: Pathogenic for Severe myoclonic epilepsy in infancy. Last evaluated: 2017-09-05. Review status: criteria provided, single submitter. Criteria: ACMG Guidelines, 2015. Collection method: clinical testing. Allele origin: germline. Affected: yes. Observed: 1 variant allele.

Center for Bioinformatics, Peking University
Classification: Pathogenic for Dravet syndrome. Last evaluated: 2014-12-20. Review status: criteria provided, single submitter. Criteria: Xu et al. (Hum Mutat. 2015). Collection method: research. Allele origin: de novo. Affected: yes. Observed: 4 variant alleles. Study: University Clinical Cooperation “985 Project” PKU-2014-1-1.
Comment: Dravet syndrome (DS) probands were recruited from the outpatient and inpatient child neurology units of Peking University First Hospital from 2005 till present. The study was approved by the Ethics Committee of Peking University First Hospital and the Institutional Review Board at Peking University. Participants or their parents provided written informed consent before enrollment. We collected a total of 267 mutations from 255 families with probands diagnosed with DS in China. All probands fulfilled the clinical diagnostic criteria.

HudsonAlpha Institute for Biotechnology
Classification: Pathogenic for Severe myoclonic epilepsy in infancy. Last evaluated: 2014-11-04. Review status: criteria provided, single submitter. Criteria: HA_assertions_20161101. Collection method: research. Allele origin: de novo. Affected: yes. Study: CSER-HudsonAlpha.

Athena Diagnostics
Classification: Pathogenic for Severe myoclonic epilepsy in infancy. Last evaluated: 2014-06-10. Review status: criteria provided, single submitter. Criteria: Athena Diagnostics Criteria. Collection method: clinical testing. Allele origin: germline. Inheritance: Autosomal dominant inheritance.

Center of Excellence for Medical Genomics, Chulalongkorn University
Classification: Pathogenic for Migraine, familial hemiplegic, 3. Last evaluated: 2002-09-08. Review status: no assertion criteria provided. Collection method: research. Allele origin: de novo. Affected: yes. Not counted in ClinVar's aggregate classification.

Literature cited by the submitters: PubMed 17347258 (cited by Labcorp Genetics (formerly Invitae), Labcorp); PubMed 18930999 (cited by 3 submitters); PubMed 12566275 (cited by 4 submitters); PubMed 23195492 (cited by Labcorp Genetics (formerly Invitae), Labcorp and Ambry Genetics); PubMed 23934111 (cited by Labcorp Genetics (formerly Invitae), Labcorp and Ambry Genetics); PubMed 24168886 (cited by Ambry Genetics); PubMed 26096185 (cited by Ambry Genetics); PubMed 26232052 (cited by Ambry Genetics); PubMed 29186148 (cited by Ambry Genetics).